The following is an entry in ClinVar:

NM_138370.3(PKDCC):c.347C>T (p.Pro116Leu)

Genes: PKDCC (protein kinase domain containing, cytoplasmic; plus strand), LOC129933565 (ATAC-STARR-seq lymphoblastoid silent region 11398; plus strand). Cytogenetic location: 2p21.
Variant type: single nucleotide variant.
Coding change: c.347C>T on transcript NM_138370.3 (MANE Select); coding-DNA position 347, C replaced by T.
Protein change: p.Pro116Leu; replaces proline 116 with leucine.
Molecular consequence: missense variant.
Genome position (GRCh38, 1-based): chr2:42,048,546, C>T. VCF-style: chr2-42048546-C-T. GRCh37 (hg19) VCF-style: chr2-42275686-C-T.
Other names: short protein forms P116L.
Identifiers: ClinVar variation 1905239 (VCV001905239.5), dbSNP rs2465740713, ClinGen allele CA346622982.

ClinVar aggregate classification (germline): Uncertain significance (1 of 4 stars; one submission).

Submission:

Labcorp Genetics (formerly Invitae), Labcorp
Classification: Uncertain significance. Last evaluated: 2024-09-06. Review status: criteria provided, single submitter. Criteria: Invitae Variant Classification Sherloc (09022015). Collection method: clinical testing. Allele origin: germline.
Comment: This sequence change replaces proline, which is neutral and non-polar, with leucine, which is neutral and non-polar, at codon 116 of the PKDCC protein (p.Pro116Leu). The frequency data for this variant in the population databases is considered unreliable, as metrics indicate insufficient coverage at this position in the gnomAD database. This variant has not been reported in the literature in individuals affected with PKDCC-related conditions. ClinVar contains an entry for this variant (Variation ID: 1905239). An algorithm developed to predict the effect of missense changes on protein structure and function (PolyPhen-2) suggests that this variant is likely to be tolerated. In summary, the available evidence is currently insufficient to determine the role of this variant in disease. Therefore, it has been classified as a Variant of Uncertain Significance.